The following is an entry in ClinVar:

ClinVar aggregate classification (germline): Uncertain significance. Review status: criteria provided, multiple submitters, no conflicts (2 of 4 stars). 6 submissions from 6 submitters: Uncertain significance (6). Last evaluated 2026-04-10.

Conditions:
SMARCA4-related disorder. Also called: SMARCA4-related condition.
Hereditary cancer-predisposing syndrome. Also called: Neoplastic Syndromes, Hereditary; Hereditary Cancer Syndrome; Tumor predisposition; Hereditary neoplastic syndrome. Identifiers: Orphanet 140162, MedGen C0027672, MeSH D009386, MONDO:0015356.
Intellectual disability, autosomal dominant 16 (CSS4). Also called: COFFIN-SIRIS SYNDROME 4. Identifiers: Orphanet 1465, MedGen C3553249, MONDO:0013821, OMIM 614609.
Rhabdoid tumor predisposition syndrome 2 (RTPS2). Identifiers: Orphanet 231108, Orphanet 69077, MedGen C2750074, MONDO:0013224, OMIM 613325.

Allele frequency attached by ClinVar (database versions not stated): gnomAD exomes below 0.00001; gnomAD 0.00001; TOPMed 0.00002.
gnomAD v4.1: 6 of 1,613,946 alleles (0.00037%); highest among the groups gnomAD compares: African/African-American, 0.0013%; no homozygotes.

Submissions (6):

PreventionGenetics, part of Exact Sciences
Classification: Uncertain significance for SMARCA4-related condition. Last evaluated: 2026-04-10. Review status: criteria provided, single submitter. Criteria: ACMG Guidelines, 2015. Collection method: clinical testing. Allele origin: germline.
Comment: The SMARCA4 c.1477G>A variant is predicted to result in the amino acid substitution p.Val493Ile. To our knowledge, this variant has not been reported in the literature. This variant is reported in 0.00088% of alleles in individuals of European (Non-Finnish) descent in gnomAD and is interpreted as uncertain in ClinVar (Variation ID: 484875). At this time, the clinical significance of this variant is uncertain due to the absence of conclusive functional and genetic evidence.

Labcorp Genetics (formerly Invitae), Labcorp
Classification: Uncertain significance for Rhabdoid tumor predisposition syndrome 2. Last evaluated: 2025-11-14. Review status: criteria provided, single submitter. Criteria: Invitae Variant Classification Sherloc (09022015). Collection method: clinical testing. Allele origin: germline.
Comment: This sequence change replaces valine, which is neutral and non-polar, with isoleucine, which is neutral and non-polar, at codon 493 of the SMARCA4 protein (p.Val493Ile). This variant is present in population databases (rs372078902, gnomAD 0.0009%). This variant has not been reported in the literature in individuals affected with SMARCA4-related conditions. ClinVar contains an entry for this variant (Variation ID: 484875). Invitae Evidence Modeling of protein sequence and biophysical properties (such as structural, functional, and spatial information, amino acid conservation, physicochemical variation, residue mobility, and thermodynamic stability) indicates that this missense variant is not expected to disrupt SMARCA4 protein function with a negative predictive value of 95%. In summary, the available evidence is currently insufficient to determine the role of this variant in disease. Therefore, it has been classified as a Variant of Uncertain Significance.

Quest Diagnostics Nichols Institute San Juan Capistrano
Classification: Uncertain significance. Last evaluated: 2025-07-01. Review status: criteria provided, single submitter. Criteria: Quest Diagnostics criteria. Collection method: clinical testing. Allele origin: unknown.
Comment: The SMARCA4 c.1477G>A (p.Val493Ile) variant has not been reported in individuals with SMARCA4-related conditions in the published literature. The frequency of this variant in the general population (Genome Aggregation Database) is uninformative in the assessment of its pathogenicity. Analysis of this variant using bioinformatics tools for the prediction of the effect of amino acid changes on protein structure and function yielded predictions that this variant is benign. Based on the available information, we are unable to determine the clinical significance of this variant.

Ambry Genetics
Classification: Uncertain significance for Hereditary cancer-predisposing syndrome. Last evaluated: 2024-04-26. Review status: criteria provided, single submitter. Criteria: Ambry Variant Classification Scheme 2023. Collection method: clinical testing. Allele origin: germline.
Comment: The p.V493I variant (also known as c.1477G>A), located in coding exon 8 of the SMARCA4 gene, results from a G to A substitution at nucleotide position 1477. The valine at codon 493 is replaced by isoleucine, an amino acid with highly similar properties. This amino acid position is not well conserved in available vertebrate species. In addition, this alteration is predicted to be tolerated by in silico analysis. Missense and in-frame variants in SMARCA4 are known to cause neurodevelopmental disorders; however, such associations with rhabdoid tumor predisposition syndrome including small cell carcinoma of the ovary-hypercalcemic type (SCCOHT) are exceedingly rare (Kosho T et al. Am J Med Genet C Semin Med Genet. 2014 Sep;166C(3):262-75; Jelinic P et al. Nat Genet. 2014 May;46(5):424-6). Based on the supporting evidence, the association of this alteration with Coffin-Siris syndrome is unknown; however, the association of this alteration with rhabdoid tumor predisposition syndrome is unlikely.

Baylor Genetics
Classification: Uncertain significance for Rhabdoid tumor predisposition syndrome 2. Last evaluated: 2024-02-16. Review status: criteria provided, single submitter. Criteria: ACMG Guidelines, 2015. Collection method: clinical testing. Allele origin: unknown.

Genome-Nilou Lab
Classification: Uncertain significance for Intellectual disability, autosomal dominant 16. Last evaluated: 2021-07-15. Review status: criteria provided, single submitter. Criteria: ACMG Guidelines, 2015. Collection method: clinical testing. Allele origin: germline. Affected: no.

NM_003072.5(SMARCA4):c.1477G>A (p.Val493Ile)

Gene: SMARCA4 (SWI/SNF related BAF chromatin remodeling complex subunit ATPase 4; plus strand). Cytogenetic location: 19p13.2.
Variant type: single nucleotide variant.
Coding change: c.1477G>A on transcript NM_003072.5 (MANE Select); coding-DNA position 1477, G replaced by A.
Protein change: p.Val493Ile; replaces valine 493 with isoleucine.
Molecular consequence: missense variant. On other transcripts: non-coding transcript variant (1).
Genome position (GRCh38, 1-based): chr19:10,994,885, G>A. VCF-style: chr19-10994885-G-A. GRCh37 (hg19) VCF-style: chr19-11105561-G-A.
Other names: c.1477G>A, p.Val493Ile (NM_001128844.3, NM_001128845.2, NM_001128846.2 and 5 more transcripts); short protein forms V493I.
Identifiers: ClinVar variation 484875 (VCV000484875.20), dbSNP rs372078902, ClinGen allele CA305290920.